The following is an entry in ClinVar:

ClinVar aggregate classification (germline): Uncertain significance (1 of 4 stars; one submission).

Submission:

Labcorp Genetics (formerly Invitae), Labcorp
Classification: Uncertain significance. Last evaluated: 2025-08-08. Review status: criteria provided, single submitter. Criteria: Invitae Variant Classification Sherloc (09022015). Collection method: clinical testing. Allele origin: germline.
Comment: This sequence change creates a premature translational stop signal (p.Gln1069Alafs*9) in the CACNA2D4 gene. It is expected to result in an absent or disrupted protein product. However, the current clinical and genetic evidence is not sufficient to establish whether loss-of-function variants in CACNA2D4 cause disease. This variant is not present in population databases (gnomAD no frequency). This variant has not been reported in the literature in individuals affected with CACNA2D4-related conditions. Experimental studies and prediction algorithms are not available or were not evaluated, and the functional significance of this variant is currently unknown. Algorithms developed to predict the effect of sequence changes on RNA splicing suggest that this variant may disrupt the consensus splice site. In summary, the available evidence is currently insufficient to determine the role of this variant in disease. Therefore, it has been classified as a Variant of Uncertain Significance.

NM_172364.5(CACNA2D4):c.3203dup (p.Gln1069fs)

Gene: CACNA2D4 (calcium voltage-gated channel auxiliary subunit alpha2delta 4; minus strand). Cytogenetic location: 12p13.33.
Variant type: Duplication.
Coding change: c.3203dup on transcript NM_172364.5 (MANE Select); coding-DNA position 3203, one base duplicated (T; older notation c.3203dupT).
Protein change: p.Gln1069fs; shifts the reading frame from glutamine 1069.
Molecular consequence: frameshift variant.
Genome position (GRCh38, 1-based): chr12:1,795,691, A duplicated on the plus strand (T on the coding strand, the reverse complement: CACNA2D4 is on the minus strand). VCF-style (leftmost placement, unchanged base first): chr12-1795690-C-CA. GRCh37 (hg19) VCF-style: chr12-1904856-C-CA.
Other names: short protein forms Q1069fs.
Identifiers: ClinVar variation 4716363 (VCV004716363.1).
Genomic context (GRCh38, chr12:1,795,690, plus strand): 5'-CGCCCCCACCGCACACATCCCCGAGCATTGCAGGATATATTTGACTTCTGTCGCCTCCTG[C>CA]AGCACTGGTGGGAAGATGCTGCAGTCACAGGTGGGGTCTGTCACCAGGAGGAGGAGGTTA-3'